The following is an entry in ClinVar:

ClinVar aggregate classification (germline): Uncertain significance. Review status: criteria provided, multiple submitters, no conflicts (2 of 4 stars). 3 submissions from 3 submitters: Uncertain significance (3). Last evaluated 2025-06-30.

Conditions:
Chédiak-Higashi syndrome (CHS). Also called: Chediak-Higashi Syndrome. Identifiers: Orphanet 167, MedGen C0007965, MONDO:0008963, OMIM 214500.
Inborn genetic diseases. Identifiers: MedGen C0950123, MeSH D030342.

Allele frequency attached by ClinVar (database versions not stated): TOPMed below 0.00001; gnomAD 0.00005; gnomAD exomes 0.00005; ESP Exome Variant Server 0.00008; ExAC 0.00012; 1000 Genomes Project 30x 0.00016.

Submissions (3):

Ambry Genetics
Classification: Uncertain significance for Inborn genetic diseases. Last evaluated: 2025-06-30. Review status: criteria provided, single submitter. Criteria: Ambry Variant Classification Scheme 2023. Collection method: clinical testing. Allele origin: germline.

Mayo Clinic Laboratories, Mayo Clinic
Classification: Uncertain significance. Last evaluated: 2024-01-08. Review status: criteria provided, single submitter. Criteria: ACMG Guidelines, 2015. Collection method: clinical testing. Allele origin: germline. Observed: 1 variant allele.

Labcorp Genetics (formerly Invitae), Labcorp
Classification: Uncertain significance for Chédiak-Higashi syndrome. Last evaluated: 2022-03-11. Review status: criteria provided, single submitter. Criteria: Invitae Variant Classification Sherloc (09022015). Collection method: clinical testing. Allele origin: germline.
Comment: This sequence change replaces proline, which is neutral and non-polar, with leucine, which is neutral and non-polar, at codon 1795 of the LYST protein (p.Pro1795Leu). This variant is present in population databases (rs41269379, gnomAD 0.04%). This variant has not been reported in the literature in individuals affected with LYST-related conditions. Algorithms developed to predict the effect of missense changes on protein structure and function are either unavailable or do not agree on the potential impact of this missense change (SIFT: "Deleterious"; PolyPhen-2: "Probably Damaging"; Align-GVGD: "Class C0"). In summary, the available evidence is currently insufficient to determine the role of this variant in disease. Therefore, it has been classified as a Variant of Uncertain Significance.

NM_000081.4(LYST):c.5384C>T (p.Pro1795Leu)

Gene: LYST (lysosomal trafficking regulator; minus strand). Cytogenetic location: 1q42.3.
Variant type: single nucleotide variant.
Coding change: c.5384C>T on transcript NM_000081.4 (MANE Select); coding-DNA position 5384, C replaced by T.
Protein change: p.Pro1795Leu; replaces proline 1795 with leucine.
Molecular consequence: missense variant.
Genome position (GRCh38, 1-based): chr1:235,777,139, G>A on the plus strand (C>T on the coding strand, the complement: LYST is on the minus strand). VCF-style: chr1-235777139-G-A. GRCh37 (hg19) VCF-style: chr1-235940439-G-A.
Other names: p.Pro1795Leu; c.5384C>T (NM_000081.2); c.5384C>T, p.Pro1795Leu (NM_001301365.1); short protein forms P1795L.
Identifiers: ClinVar variation 2089043 (VCV002089043.3), dbSNP rs41269379, ClinGen allele CA1466640.